The following is an entry in ClinVar:

ClinVar aggregate classification (germline): Uncertain significance (1 of 4 stars; one submission).

Submission:

GeneDx
Classification: Uncertain significance. Last evaluated: 2025-08-01. Review status: criteria provided, single submitter. Criteria: GeneDx Variant Classification Process June 2021. Collection method: clinical testing. Allele origin: germline. Affected: yes.
Comment: Not observed at significant frequency in large population cohorts (gnomAD); In silico analysis supports that this missense variant has a deleterious effect on protein structure/function; Has not been previously published as pathogenic or benign to our knowledge

NM_001042424.3(NSD2):c.2281C>T (p.Leu761Phe)

Gene: NSD2 (nuclear receptor binding SET domain protein 2; plus strand). Cytogenetic location: 4p16.3.
Variant type: single nucleotide variant.
Coding change: c.2281C>T on transcript NM_001042424.3 (MANE Select); coding-DNA position 2281, C replaced by T.
Protein change: p.Leu761Phe; replaces leucine 761 with phenylalanine.
Molecular consequence: missense variant. On other transcripts: intron variant (1).
Genome position (GRCh38, 1-based): chr4:1,953,467, C>T. VCF-style: chr4-1953467-C-T. GRCh37 (hg19) VCF-style: chr4-1955194-C-T.
Other names: c.2281C>T, p.Leu761Phe (NM_001440892.1, NM_001440894.1, NM_001440895.1 and 3 more transcripts); c.2380C>T, p.Leu794Phe (NM_001440893.1); c.2074C>T, p.Leu692Phe (NM_001440897.1, NM_001440898.1); c.1312C>T, p.Leu438Phe (NM_001440899.1, NM_001440900.1); c.2137+1236C>T (NM_001440896.1); short protein forms L438F, L692F, L761F, L794F.
Identifiers: ClinVar variation 4690209 (VCV004690209.1).